The following is an entry in ClinVar:

ClinVar aggregate classification (germline): Uncertain significance (1 of 4 stars; one submission).

Conditions:
Wilson disease (WND). Also called: Wilson's disease. Identifiers: Orphanet 905, MedGen C0019202, MONDO:0010200, OMIM 277900. Disease mechanism: loss of function.

Submission:

Color Diagnostics, LLC DBA Color Health
Classification: Uncertain significance for Wilson disease. Last evaluated: 2025-10-03. Review status: criteria provided, single submitter. Criteria: ACMG Guidelines, 2015. Collection method: clinical testing. Allele origin: germline.
Comment: This missense variant replaces histidine with asparagine at codon 470 of the ATP7B protein. Computational prediction suggests that this variant may not impact protein structure and function. To our knowledge, functional studies have not been reported for this variant. This variant has not been reported in individuals affected with ATP7B-related disorders in the literature. This variant has been identified in 3/1461892 chromosomes in the general population by the Genome Aggregation Database (gnomAD). The available evidence is insufficient to determine the role of this variant in disease conclusively. Therefore, this variant is classified as a Variant of Uncertain Significance.

NM_000053.4(ATP7B):c.1408C>A (p.His470Asn)

Gene: ATP7B (ATPase copper transporting beta; minus strand). Cytogenetic location: 13q14.3.
Variant type: single nucleotide variant.
Coding change: c.1408C>A on transcript NM_000053.4 (MANE Select); coding-DNA position 1408, C replaced by A.
Protein change: p.His470Asn; replaces histidine 470 with asparagine.
Molecular consequence: missense variant. On other transcripts: intron variant (1).
Genome position (GRCh38, 1-based): chr13:51,970,627, G>T on the plus strand (C>A on the coding strand, the complement: ATP7B is on the minus strand). VCF-style: chr13-51970627-G-T. GRCh37 (hg19) VCF-style: chr13-52544763-G-T.
Other names: c.1408C>A, p.His470Asn (NM_001406546.1, NM_001406547.1, NM_001406537.1 and 28 more transcripts); c.1312C>A, p.His438Asn (NM_001406536.1, NM_001406543.1, NM_001406544.1 and 3 more transcripts); c.979C>A, p.His327Asn (NM_001406539.1); c.1075C>A, p.His359Asn (NM_001243182.2); c.1285+3308C>A (NM_001406548.1); short protein forms H327N, H359N, H438N, H470N.
Identifiers: ClinVar variation 4758272 (VCV004758272.1).
Genomic context (GRCh38, chr13:51,970,627, plus strand): 5'-ACTTCTGCGGTGCCACTGCTCTGGTTGATTGTGGGGACTTTGCCAAGATGTCCGGGGCAT[G>T]GTTTGCAGGGAGCCTCCCAGTGTGGGGAGCCACTTCCTGCACAGATGTAGGTGTACCATC-3'
Protein context (NP_000044.2, residues 460-480): APHTGRLPAN[His470Asn]APDILAKSPQ